The following is an entry in ClinVar:

NM_001204.7(BMPR2):c.2234T>C (p.Leu745Pro)

Gene: BMPR2 (bone morphogenetic protein receptor type 2; plus strand). Cytogenetic location: 2q33.2.
Variant type: single nucleotide variant.
Coding change: c.2234T>C on transcript NM_001204.7 (MANE Select); coding-DNA position 2234, T replaced by C.
Protein change: p.Leu745Pro; replaces leucine 745 with proline.
Molecular consequence: missense variant.
Genome position (GRCh38, 1-based): chr2:202,555,899, T>C. VCF-style: chr2-202555899-T-C. GRCh37 (hg19) VCF-style: chr2-203420622-T-C.
Other names: short protein forms L745P.
Identifiers: ClinVar variation 3824810 (VCV003824810.1).

ClinVar aggregate classification (germline): Uncertain significance (1 of 4 stars; one submission).

Conditions:
Inborn genetic diseases. Identifiers: MedGen C0950123, MeSH D030342.

gnomAD v4.1: 1 of 1,614,028 alleles (0.000062%); highest among the groups gnomAD compares: Non-Finnish European, 0.000085%; no homozygotes.

Submission:

Ambry Genetics
Classification: Uncertain significance for Inborn genetic diseases. Last evaluated: 2025-01-05. Review status: criteria provided, single submitter. Criteria: Ambry Variant Classification Scheme 2023. Collection method: clinical testing. Allele origin: germline.
Comment: The p.L745P variant (also known as c.2234T>C), located in coding exon 12 of the BMPR2 gene, results from a T to C substitution at nucleotide position 2234. The leucine at codon 745 is replaced by proline, an amino acid with similar properties. This amino acid position is conserved. In addition, this alteration is predicted to be deleterious by in silico analysis. Based on the available evidence, the clinical significance of this variant remains unclear.